The following is an entry in ClinVar:

ClinVar aggregate classification (germline): Uncertain significance (1 of 4 stars; one submission).

Submission:

Labcorp Genetics (formerly Invitae), Labcorp
Classification: Uncertain significance. Last evaluated: 2024-08-05. Review status: criteria provided, single submitter. Criteria: Invitae Variant Classification Sherloc (09022015). Collection method: clinical testing. Allele origin: germline.
Comment: This sequence change replaces proline, which is neutral and non-polar, with alanine, which is neutral and non-polar, at codon 764 of the ZHX3 protein (p.Pro764Ala). This variant is not present in population databases (gnomAD no frequency). This variant has not been reported in the literature in individuals affected with ZHX3-related conditions. An algorithm developed to predict the effect of missense changes on protein structure and function (PolyPhen-2) suggests that this variant is likely to be tolerated. In summary, the available evidence is currently insufficient to determine the role of this variant in disease. Therefore, it has been classified as a Variant of Uncertain Significance.

NM_001384317.1(ZHX3):c.2290C>G (p.Pro764Ala)

Gene: ZHX3 (zinc fingers and homeoboxes 3; minus strand). Cytogenetic location: 20q12.
Variant type: single nucleotide variant.
Coding change: c.2290C>G on transcript NM_001384317.1 (MANE Select); coding-DNA position 2290, C replaced by G.
Protein change: p.Pro764Ala; replaces proline 764 with alanine.
Molecular consequence: missense variant.
Genome position (GRCh38, 1-based): chr20:41,202,627, G>C on the plus strand (C>G on the coding strand, the complement: ZHX3 is on the minus strand). VCF-style: chr20-41202627-G-C. GRCh37 (hg19) VCF-style: chr20-39831267-G-C.
Other names: c.2290C>G, p.Pro764Ala (NM_001384315.1, NM_001384316.1, NM_001384318.1 and 8 more transcripts); short protein forms P764A.
Identifiers: ClinVar variation 2766208 (VCV002766208.3), dbSNP rs781259788, ClinGen allele CA409034799.